The following is an entry in ClinVar:

ClinVar aggregate classification (germline): Uncertain significance (1 of 4 stars; one submission).

Allele frequency attached by ClinVar (database versions not stated): TOPMed 0.00001.

Submission:

Labcorp Genetics (formerly Invitae), Labcorp
Classification: Uncertain significance. Last evaluated: 2022-10-04. Review status: criteria provided, single submitter. Criteria: Invitae Variant Classification Sherloc (09022015). Collection method: clinical testing. Allele origin: germline.
Comment: This sequence change replaces valine, which is neutral and non-polar, with methionine, which is neutral and non-polar, at codon 261 of the ZNF408 protein (p.Val261Met). This variant is not present in population databases (gnomAD no frequency). This variant has not been reported in the literature in individuals affected with ZNF408-related conditions. ClinVar contains an entry for this variant (Variation ID: 1003932). Algorithms developed to predict the effect of missense changes on protein structure and function output the following: SIFT: "Tolerated"; PolyPhen-2: "Benign"; Align-GVGD: "Class C0". The methionine amino acid residue is found in multiple mammalian species, which suggests that this missense change does not adversely affect protein function. In summary, the available evidence is currently insufficient to determine the role of this variant in disease. Therefore, it has been classified as a Variant of Uncertain Significance.

NM_024741.3(ZNF408):c.781G>A (p.Val261Met)

Gene: ZNF408 (zinc finger protein 408; plus strand). Cytogenetic location: 11p11.2.
Variant type: single nucleotide variant.
Coding change: c.781G>A on transcript NM_024741.3 (MANE Select); coding-DNA position 781, G replaced by A.
Protein change: p.Val261Met; replaces valine 261 with methionine.
Molecular consequence: missense variant.
Genome position (GRCh38, 1-based): chr11:46,704,481, G>A. VCF-style: chr11-46704481-G-A. GRCh37 (hg19) VCF-style: chr11-46726031-G-A.
Other names: c.757G>A, p.Val253Met (NM_001184751.2); short protein forms V253M, V261M.
Identifiers: ClinVar variation 1003932 (VCV001003932.8), dbSNP rs747049480, ClinGen allele CA380254157.